The following is an entry in ClinVar:

ClinVar aggregate classification (germline): Uncertain significance (1 of 4 stars; one submission).

Allele frequency attached by ClinVar (database versions not stated): TOPMed below 0.00001; gnomAD 0.00001.
gnomAD v4.1: 47 of 1,557,172 alleles (0.003%); highest among the groups gnomAD compares: Non-Finnish European, 0.004%; no homozygotes.

Submission:

Labcorp Genetics (formerly Invitae), Labcorp
Classification: Uncertain significance. Last evaluated: 2022-03-10. Review status: criteria provided, single submitter. Criteria: Invitae Variant Classification Sherloc (09022015). Collection method: clinical testing. Allele origin: germline.
Comment: This variant is not present in population databases (gnomAD no frequency). This variant has not been reported in the literature in individuals affected with COL18A1-related conditions. Experimental studies and prediction algorithms are not available or were not evaluated, and the functional significance of this variant is currently unknown. In summary, the available evidence is currently insufficient to determine the role of this variant in disease. Therefore, it has been classified as a Variant of Uncertain Significance. This sequence change replaces lysine, which is basic and polar, with arginine, which is basic and polar, at codon 759 of the COL18A1 protein (p.Lys759Arg).

NM_001379500.1(COL18A1):c.2276A>G (p.Lys759Arg)

Gene: COL18A1 (collagen type XVIII alpha 1 chain; plus strand). Cytogenetic location: 21q22.3.
Variant type: single nucleotide variant.
Coding change: c.2276A>G on transcript NM_001379500.1 (MANE Select); coding-DNA position 2276, A replaced by G.
Protein change: p.Lys759Arg; replaces lysine 759 with arginine.
Molecular consequence: missense variant.
Genome position (GRCh38, 1-based): chr21:45,493,224, A>G. VCF-style: chr21-45493224-A-G. GRCh37 (hg19) VCF-style: chr21-46913138-A-G.
Other names: c.2816A>G, p.Lys939Arg (NM_030582.4); c.3521A>G, p.Lys1174Arg (NM_130444.3); short protein forms K939R, K759R, K1174R.
Identifiers: ClinVar variation 1495898 (VCV001495898.5), dbSNP rs1205411020, ClinGen allele CA410497364.